The following is an entry in ClinVar:

NM_003482.4(KMT2D):c.8143G>T (p.Gly2715Trp)

Gene: KMT2D (lysine methyltransferase 2D; minus strand). Cytogenetic location: 12q13.12.
Variant type: single nucleotide variant.
Coding change: c.8143G>T on transcript NM_003482.4 (MANE Select); coding-DNA position 8143, G replaced by T.
Protein change: p.Gly2715Trp; replaces glycine 2715 with tryptophan.
Molecular consequence: missense variant.
Genome position (GRCh38, 1-based): chr12:49,039,521, C>A on the plus strand (G>T on the coding strand, the complement: KMT2D is on the minus strand). VCF-style: chr12-49039521-C-A. GRCh37 (hg19) VCF-style: chr12-49433304-C-A.
Other names: short protein forms G2715W.
Identifiers: ClinVar variation 3670892 (VCV003670892.2).
Genomic context (GRCh38, chr12:49,039,521, plus strand): 5'-CTCGACTCAGCTGCTCAAAGGCAGGGCTGCTGGGCTCAGCACCCCAGCTGCCTGGAGGCC[C>A]CACTGCTCCTGCAGCTGCTGCAGCTGTTTCCTTCTCCTGCCGCAGGGTGTTGCGCTGGAT-3'
Protein context (NP_003473.3, residues 2705-2725): ETAAAAAGAV[Gly2715Trp]PPGSWGAEPS

ClinVar aggregate classification (germline): Uncertain significance (1 of 4 stars; one submission).

Conditions:
Kabuki syndrome. Also called: Kabuki make-up syndrome; NIIKAWA-KUROKI SYNDROME. Identifiers: Orphanet 2322, MedGen C0796004, MONDO:0016512.

Submission:

Labcorp Genetics (formerly Invitae), Labcorp
Classification: Uncertain significance for Kabuki syndrome. Last evaluated: 2024-04-22. Review status: criteria provided, single submitter. Criteria: Invitae Variant Classification Sherloc (09022015). Collection method: clinical testing. Allele origin: germline.
Comment: This sequence change replaces glycine, which is neutral and non-polar, with tryptophan, which is neutral and slightly polar, at codon 2715 of the KMT2D protein (p.Gly2715Trp). This variant is not present in population databases (gnomAD no frequency). This variant has not been reported in the literature in individuals affected with KMT2D-related conditions. Advanced modeling of protein sequence and biophysical properties (such as structural, functional, and spatial information, amino acid conservation, physicochemical variation, residue mobility, and thermodynamic stability) performed at Invitae indicates that this missense variant is not expected to disrupt KMT2D protein function with a negative predictive value of 95%. In summary, the available evidence is currently insufficient to determine the role of this variant in disease. Therefore, it has been classified as a Variant of Uncertain Significance.